The following is an entry in ClinVar:

ClinVar aggregate classification (germline): Likely benign (1 of 4 stars; one submission).

Allele frequency attached by ClinVar (database versions not stated): 1000 Genomes Project 0.00260; 1000 Genomes Project 30x 0.00281; gnomAD 0.00448; ESP Exome Variant Server 0.00469; TOPMed 0.00473; gnomAD exomes 0.00544; ExAC 0.00551.
gnomAD v4.1: 8,665 of 1,613,634 alleles (0.54%); highest among the groups gnomAD compares: Middle Eastern, 1.2%; 42 homozygotes.

Submission:

CeGaT Center for Human Genetics Tuebingen
Classification: Likely benign. Last evaluated: 2026-08-01. Review status: criteria provided, single submitter. Criteria: CeGaT Center For Human Genetics Tuebingen Variant Classification Criteria Version 2. Collection method: clinical testing. Allele origin: germline. Affected: yes. Observed: 5 variant alleles.
Comment: VPS35L: BP4, BP7, BS2

NM_020314.7(VPS35L):c.1062A>C (p.Leu354=)

Gene: VPS35L (VPS35 endosomal protein sorting factor like; plus strand). Cytogenetic location: 16p12.3.
Variant type: single nucleotide variant.
Coding change: c.1062A>C on transcript NM_020314.7 (MANE Select); coding-DNA position 1062, A replaced by C.
Protein change: p.Leu354=; no amino-acid change (leucine 354 retained).
Molecular consequence: synonymous variant. On other transcripts: non-coding transcript variant (1), intron variant (2).
Genome position (GRCh38, 1-based): chr16:19,616,152, A>C. VCF-style: chr16-19616152-A-C. GRCh37 (hg19) VCF-style: chr16-19627474-A-C.
Other names: c.1062A>C, p.Leu354= (NM_001365293.2); c.174A>C, p.Leu58= (NM_001365295.2); c.1023+5737A>C (NM_001365294.2, NM_001300743.3).
Identifiers: ClinVar variation 2646277 (VCV002646277.24), dbSNP rs140203828, ClinGen allele CA7936394.